The following is an entry in ClinVar:

ClinVar aggregate classification (germline): Pathogenic/Likely pathogenic. Review status: criteria provided, multiple submitters, no conflicts (2 of 4 stars). 5 submissions from 4 submitters: Pathogenic (1); Likely pathogenic (3). 1 of the submissions does not count toward it. Last evaluated 2024-03-26.

Conditions:
Arthrogryposis multiplex congenita 6. Identifiers: MedGen C5543431, MONDO:0030281, OMIM 619334.
Nemaline myopathy 2 (NEM2). Also called: Nemaline myopathy 2, autosomal recessive. Identifiers: MedGen C1850569, MONDO:0009725, OMIM 256030.

Allele frequency attached by ClinVar (database versions not stated): gnomAD 0.00001; TOPMed 0.00001.
gnomAD v4.1: 1 of 1,613,164 alleles (0.000062%); highest among the groups gnomAD compares: Non-Finnish European, 0.000085%; no homozygotes.

Submissions (5):

Labcorp Genetics (formerly Invitae), Labcorp
Classification: Likely pathogenic for Nemaline myopathy 2. Last evaluated: 2024-03-26. Review status: criteria provided, single submitter. Criteria: Invitae Variant Classification Sherloc (09022015). Collection method: clinical testing. Allele origin: germline.
Comment: This sequence change affects an acceptor splice site in intron 3 of the NEB gene. It is expected to disrupt RNA splicing. Variants that disrupt the donor or acceptor splice site typically lead to a loss of protein function (PMID: 16199547), and loss-of-function variants in NEB are known to be pathogenic (PMID: 25205138). This variant is not present in population databases (gnomAD no frequency). This variant has not been reported in the literature in individuals affected with NEB-related conditions. ClinVar contains an entry for this variant (Variation ID: 552631). Algorithms developed to predict the effect of sequence changes on RNA splicing suggest that this variant may disrupt the consensus splice site. In summary, the currently available evidence indicates that the variant is pathogenic, but additional data are needed to prove that conclusively. Therefore, this variant has been classified as Likely Pathogenic.

Fulgent Genetics
Classification: Likely pathogenic for Nemaline myopathy 2; Arthrogryposis multiplex congenita 6. Last evaluated: 2024-02-19. Review status: criteria provided, single submitter. Criteria: ACMG Guidelines, 2015. Collection method: clinical testing. Allele origin: germline.

Baylor Genetics
Classification: Likely pathogenic for Arthrogryposis multiplex congenita 6. Last evaluated: 2022-12-31. Review status: criteria provided, single submitter. Criteria: ACMG Guidelines, 2015. Collection method: clinical testing. Allele origin: unknown.

Fulgent Genetics
Classification: Pathogenic for Nemaline myopathy 2. Last evaluated: 2018-10-31. Review status: criteria provided, single submitter. Criteria: ACMG Guidelines, 2015. Collection method: clinical testing. Allele origin: unknown.

Counsyl
Classification: Likely pathogenic for Nemaline myopathy 2. Last evaluated: 2017-06-23. Review status: no assertion criteria provided. Collection method: clinical testing. Allele origin: unknown. Not counted in ClinVar's aggregate classification.

Literature cited by the submitters: PubMed 16199547 (cited by Labcorp Genetics (formerly Invitae), Labcorp); PubMed 25205138 (cited by Labcorp Genetics (formerly Invitae), Labcorp).

NM_001164508.2(NEB):c.37-1G>A

Gene: NEB (nebulin; minus strand). Cytogenetic location: 2q23.3.
Variant type: single nucleotide variant.
Coding change: c.37-1G>A on transcript NM_001164508.2 (MANE Select); the canonical splice acceptor site of the intron before coding-DNA position 37, G replaced by A.
Molecular consequence: splice acceptor variant.
Genome position (GRCh38, 1-based): chr2:151,729,657, C>T on the plus strand (G>A on the coding strand, the complement: NEB is on the minus strand). VCF-style: chr2-151729657-C-T. GRCh37 (hg19) VCF-style: chr2-152586171-C-T.
Other names: c.37-1G>A (NM_004543.5, NM_001164507.2, NM_001271208.2).
Identifiers: ClinVar variation 552631 (VCV000552631.10), dbSNP rs1428597732, ClinGen allele CA348797091.